The following is an entry in ClinVar:

ClinVar aggregate classification (germline): Likely pathogenic (1 of 4 stars; one submission).

Conditions:
ATP1A2-related disorder. Also called: ATP1A2-RELATED DISORDERS; ATP1A2-related condition.

Submission:

PreventionGenetics, part of Exact Sciences
Classification: Likely pathogenic for ATP1A2-related condition. Last evaluated: 2022-12-08. Review status: criteria provided, single submitter. Criteria: ACMG Guidelines, 2015. Collection method: clinical testing. Allele origin: germline.
Comment: The ATP1A2 c.262delG variant is predicted to result in a frameshift and premature protein termination (p.Val88Serfs*82). To our knowledge, this variant has not been reported in the literature or in a large population database, indicating this variant is rare. Frameshift variants in ATP1A2 are expected to be pathogenic. This variant is interpreted as likely pathogenic.

NM_000702.4(ATP1A2):c.262del (p.Val88fs)

Gene: ATP1A2 (ATPase Na+/K+ transporting subunit alpha 2; plus strand). Cytogenetic location: 1q23.2.
Variant type: Deletion.
Coding change: c.262del on transcript NM_000702.4 (MANE Select); coding-DNA position 262, one base deleted (G; older notation c.262delG).
Protein change: p.Val88fs; shifts the reading frame from valine 88.
Molecular consequence: frameshift variant.
Genome position (GRCh38, 1-based): chr1:160,123,297, G deleted; the last of 3 consecutive G bases (chr1:160,123,295-160,123,297); deleting any one gives the same sequence. VCF-style (leftmost placement, unchanged base first): chr1-160123294-TG-T. GRCh37 (hg19) VCF-style: chr1-160093084-TG-T.
Other names: short protein forms V88fs.
Identifiers: ClinVar variation 2629518 (VCV002629518.1), dbSNP rs2524854159, ClinGen allele CA2648641074.